The following is an entry in ClinVar:

NM_000414.4(HSD17B4):c.1993+1G>A

Gene: HSD17B4 (hydroxysteroid 17-beta dehydrogenase 4; plus strand). Cytogenetic location: 5q23.1.
Variant type: single nucleotide variant.
Coding change: c.1993+1G>A on transcript NM_000414.4 (MANE Select); the canonical splice donor site of the intron after coding-DNA position 1993, G replaced by A.
Molecular consequence: splice donor variant.
Genome position (GRCh38, 1-based): chr5:119,531,405, G>A. VCF-style: chr5-119531405-G-A. GRCh37 (hg19) VCF-style: chr5-118867100-G-A.
Other names: c.1984+1G>A (NM_001374497.1); c.1939+1G>A (NM_001199292.2); c.1582+1G>A (NM_001374503.1, NM_001374502.1, NM_001374501.1); c.2068+1G>A (NM_001199291.3); c.1666+1G>A (NM_001374499.1); c.1552+1G>A (NM_001374500.1); c.1573+1G>A (NM_001292028.2); c.1921+1G>A (NM_001292027.2, NM_001374498.1); and 1 more.
Identifiers: ClinVar variation 802151 (VCV000802151.4), dbSNP rs1580711803, ClinGen allele CA360871491.

ClinVar aggregate classification (germline): Pathogenic/Likely pathogenic. Review status: criteria provided, multiple submitters, no conflicts (2 of 4 stars). 4 submissions from 4 submitters: Pathogenic (2); Likely pathogenic (2). Last evaluated 2025-11-06.

Conditions:
Bifunctional peroxisomal enzyme deficiency (DBIF). Also called: D-bifunctional protein deficiency; DBP DEFICIENCY; PBFE DEFICIENCY. Identifiers: Orphanet 300, MedGen C0342870, MONDO:0009855, OMIM 261515. Disease mechanism: loss of function.
Perrault syndrome. Also called: Gonadal dysgenesis with auditory dysfunction, autosomal recessive inheritance. Identifiers: Orphanet 2855, MedGen C0685838, MONDO:0017312.

gnomAD v4.1: 1 of 1,611,306 alleles (0.000062%); highest among the groups gnomAD compares: Admixed American, 0.0017%; no homozygotes.

Submissions (4):

Dasa
Classification: Pathogenic. Last evaluated: 2025-11-06. Review status: criteria provided, single submitter. Criteria: DASA Assertion Criteria. Collection method: clinical testing. Allele origin: germline.
Comment: NM_000414.4(HSD17B4):c.1993+1G>A alters a canonical splice donor site and is predicted to disrupt normal splicing. Loss-of-function is an established mechanism of disease for this gene. The variant has been reported in individuals with D-bifunctional protein deficiency. It is present at low frequency in population datasets. Based on the available data, this variant is classified as pathogenic.

Labcorp Genetics (formerly Invitae), Labcorp
Classification: Likely pathogenic for Perrault syndrome; Bifunctional peroxisomal enzyme deficiency. Last evaluated: 2025-02-27. Review status: criteria provided, single submitter. Criteria: Invitae Variant Classification Sherloc (09022015). Collection method: clinical testing. Allele origin: germline.
Comment: This sequence change affects a donor splice site in intron 22 of the HSD17B4 gene. It is expected to disrupt RNA splicing. Variants that disrupt the donor or acceptor splice site typically lead to a loss of protein function (PMID: 16199547), and loss-of-function variants in HSD17B4 are known to be pathogenic (PMID: 11810648, 16385454, 20673864). This variant is not present in population databases (gnomAD no frequency). This variant has not been reported in the literature in individuals affected with HSD17B4-related conditions. ClinVar contains an entry for this variant (Variation ID: 802151). Algorithms developed to predict the effect of sequence changes on RNA splicing suggest that this variant may disrupt the consensus splice site. In summary, the currently available evidence indicates that the variant is pathogenic, but additional data are needed to prove that conclusively. Therefore, this variant has been classified as Likely Pathogenic.

Natera, Inc.
Classification: Likely pathogenic for Bifunctional peroxisomal enzyme deficiency. Last evaluated: 2024-08-20. Review status: criteria provided, single submitter. Criteria: Natera Variant Classification Schema (03/2026). Collection method: clinical testing. Allele origin: germline.
Comment: The c.1993+1G>A variant in HSD17B4 is a canonical splice donor site variant predicted to affect pre-mRNA splicing, which may result in an abnormal transcript and altered protein product. This variant is expected to result in nonsense mediated decay, truncation, or a dysfunctional protein product. This variant is rare in the general population with a frequency below the threshold expected for the associated phenotype(s). Given the available evidence, this variant is classified as Likely Pathogenic.

Mendelics
Classification: Pathogenic for Bifunctional peroxisomal enzyme deficiency. Last evaluated: 2019-05-28. Review status: criteria provided, single submitter. Criteria: Mendelics Assertion Criteria 2017. Collection method: clinical testing. Allele origin: unknown.

Literature cited by the submitters: PubMed 16199547 (cited by Labcorp Genetics (formerly Invitae), Labcorp); PubMed 11810648 (cited by Labcorp Genetics (formerly Invitae), Labcorp); PubMed 16385454 (cited by Labcorp Genetics (formerly Invitae), Labcorp); PubMed 20673864 (cited by Labcorp Genetics (formerly Invitae), Labcorp).